The following is an entry in ClinVar:

NM_024577.4(SH3TC2):c.732-14_732-7delinsCA

Gene: SH3TC2 (SH3 domain and tetratricopeptide repeats 2; minus strand). Cytogenetic location: 5q32.
Variant type: Indel.
Coding change: c.732-14_732-7delinsCA on transcript NM_024577.4 (MANE Select); 14 bases into the intron before coding-DNA position 732 through 7 bases into the intron before coding-DNA position 732, GTTTTCAT replaced by CA.
Molecular consequence: intron variant.
Genome position (GRCh38, 1-based): chr5:149,040,684-149,040,691, ATGAAAAC replaced by TG on the plus strand (GTTTTCAT replaced by CA on the coding strand, the reverse complement: SH3TC2 is on the minus strand). VCF-style: chr5-149040684-ATGAAAAC-TG. GRCh37 (hg19) VCF-style: chr5-148420247-ATGAAAAC-TG.
Identifiers: ClinVar variation 4884105 (VCV004884105.2).

ClinVar aggregate classification (germline): Uncertain significance (1 of 4 stars; one submission).

Submission:

Dasa
Classification: Uncertain significance. Last evaluated: 2025-01-23. Review status: criteria provided, single submitter. Criteria: DASA Assertion Criteria. Collection method: clinical testing. Allele origin: germline.
Comment: NM_024577.4(SH3TC2):c.732-14_732-7delinsCA is an intronic variant. This variant is absent from population databases. The currently available literature and clinical evidence are not sufficient to establish a definitive association between this variant and the reported condition. Therefore, this variant is classified as a variant of uncertain significance.